The following is an entry in ClinVar:

NM_004168.4(SDHA):c.952C>T (p.Leu318Phe)

Gene: SDHA (succinate dehydrogenase complex flavoprotein subunit A; plus strand). Cytogenetic location: 5p15.33.
Variant type: single nucleotide variant.
Coding change: c.952C>T on transcript NM_004168.4 (MANE Select); coding-DNA position 952, C replaced by T.
Protein change: p.Leu318Phe; replaces leucine 318 with phenylalanine.
Molecular consequence: missense variant.
Genome position (GRCh38, 1-based): chr5:233,533, C>T. VCF-style: chr5-233533-C-T. GRCh37 (hg19) VCF-style: chr5-233648-C-T.
Other names: c.808C>T, p.Leu270Phe (NM_001294332.2); c.952C>T, p.Leu318Phe (NM_001330758.2); short protein forms L270F, L318F.
Identifiers: ClinVar variation 942420 (VCV000942420.10), dbSNP rs1735551482, ClinGen allele CA359012663.
Genomic context (GRCh38, chr5:233,533, plus strand): 5'-GCAGGCATATATGGTGCTGGTTGTCTCATTACGGAAGGATGTCGTGGAGAGGGAGGCATT[C>T]TCATTAACAGTCAAGGCGAAAGGTTTATGGAGCGATACGCCCCTGTCGCGAAGGACCTGG-3'
Protein context (NP_004159.2, residues 308-328): TEGCRGEGGI[Leu318Phe]INSQGERFME

ClinVar aggregate classification (germline): Uncertain significance (1 of 4 stars; one submission).

Conditions:
Mitochondrial complex II deficiency, nuclear type 1. Also called: SUCCINATE CoQ REDUCTASE DEFICIENCY. Identifiers: Orphanet 3208, MedGen C5700310, MONDO:0100294, OMIM 252011.
Pheochromocytoma/paraganglioma syndrome 5. Also called: Paragangliomas 5; SDHA-Related Hereditary Paraganglioma-Pheochromocytoma Syndrome. Identifiers: Orphanet 29072, MedGen C3279992, MONDO:0013602, OMIM 614165.

Submission:

Labcorp Genetics (formerly Invitae), Labcorp
Classification: Uncertain significance for Pheochromocytoma/paraganglioma syndrome 5; Mitochondrial complex II deficiency, nuclear type 1. Last evaluated: 2019-06-19. Review status: criteria provided, single submitter. Criteria: Invitae Variant Classification Sherloc (09022015). Collection method: clinical testing. Allele origin: germline.
Comment: In summary, the available evidence is currently insufficient to determine the role of this variant in disease. Therefore, it has been classified as a Variant of Uncertain Significance. Algorithms developed to predict the effect of missense changes on protein structure and function (SIFT, PolyPhen-2, Align-GVGD) all suggest that this variant is likely to be tolerated, but these predictions have not been confirmed by published functional studies and their clinical significance is uncertain. This variant has not been reported in the literature in individuals with SDHA-related conditions. This variant is not present in population databases (ExAC no frequency). This sequence change replaces leucine with phenylalanine at codon 318 of the SDHA protein (p.Leu318Phe). The leucine residue is highly conserved and there is a small physicochemical difference between leucine and phenylalanine.